The following is an entry in ClinVar:

NM_033124.5(DRC2):c.1067T>C (p.Phe356Ser)

Gene: DRC2 (dynein regulatory complex subunit 2; plus strand). Cytogenetic location: 12q13.12.
Variant type: single nucleotide variant.
Coding change: c.1067T>C on transcript NM_033124.5 (MANE Select); coding-DNA position 1067, T replaced by C.
Protein change: p.Phe356Ser; replaces phenylalanine 356 with serine.
Molecular consequence: missense variant.
Genome position (GRCh38, 1-based): chr12:48,920,970, T>C. VCF-style: chr12-48920970-T-C. GRCh37 (hg19) VCF-style: chr12-49314753-T-C.
Other names: c.638T>C, p.Phe213Ser (NM_001286957.2); short protein forms F356S, F213S.
Identifiers: ClinVar variation 411128 (VCV000411128.7), dbSNP rs748848510, ClinGen allele CA6543431.

ClinVar aggregate classification (germline): Uncertain significance. Review status: criteria provided, multiple submitters, no conflicts (2 of 4 stars). 2 submissions from 2 submitters: Uncertain significance (2). Last evaluated 2022-10-13.

Conditions:
Primary ciliary dyskinesia 27. Also called: CILIARY DYSKINESIA, PRIMARY, 27, WITHOUT SITUS INVERSUS. Identifiers: Orphanet 244, MedGen C3809701, MONDO:0014215, OMIM 615504.
Inborn genetic diseases. Identifiers: MedGen C0950123, MeSH D030342.

Allele frequency attached by ClinVar (database versions not stated): TOPMed 0.00005; gnomAD exomes 0.00007 and 0.00018; ExAC 0.00012.
gnomAD v4.1: 45 of 1,613,690 alleles (0.0028%); highest among the groups gnomAD compares: Admixed American, 0.073%; no homozygotes.

Submissions (2):

Labcorp Genetics (formerly Invitae), Labcorp
Classification: Uncertain significance for Primary ciliary dyskinesia 27. Last evaluated: 2022-10-13. Review status: criteria provided, single submitter. Criteria: Invitae Variant Classification Sherloc (09022015). Collection method: clinical testing. Allele origin: germline.
Comment: This variant is present in population databases (rs748848510, gnomAD 0.1%). In summary, the available evidence is currently insufficient to determine the role of this variant in disease. Therefore, it has been classified as a Variant of Uncertain Significance. Algorithms developed to predict the effect of missense changes on protein structure and function are either unavailable or do not agree on the potential impact of this missense change (SIFT: "Deleterious"; PolyPhen-2: "Benign"; Align-GVGD: "Class C55"). ClinVar contains an entry for this variant (Variation ID: 411128). This variant has not been reported in the literature in individuals affected with CCDC65-related conditions. This sequence change replaces phenylalanine, which is neutral and non-polar, with serine, which is neutral and polar, at codon 356 of the CCDC65 protein (p.Phe356Ser).

Ambry Genetics
Classification: Uncertain significance for Inborn genetic diseases. Last evaluated: 2021-07-14. Review status: criteria provided, single submitter. Criteria: Ambry Variant Classification Scheme 2023. Collection method: clinical testing. Allele origin: germline.